The following is an entry in ClinVar:

NC_000007.14:g.156791417G>A

Genes: ZRS (ZPA regulatory sequence; plus strand), LMBR1 (limb development membrane protein 1; minus strand), SHH (sonic hedgehog signaling molecule; minus strand). Cytogenetic location: 7q36.3.
Variant type: single nucleotide variant.
Molecular consequence: intron variant (on NM_022458.4).
Genome position: GRCh38 VCF-style: chr7-156791417-G-A. GRCh37 (hg19) VCF-style: chr7-156584111-G-A.
Other names: c.360+4972C>T (NM_001363412.2); c.144+4972C>T (NM_001350954.2); c.423+4972C>T (NM_001363410.2, NM_022458.4, NM_001363409.2 and 1 more transcripts); c.-112+4972C>T (NM_001350958.2, NM_001350956.2, NM_001350955.2 and 1 more transcripts); c.54+4972C>T (NM_001350957.2, NM_001363411.2).
Identifiers: ClinVar variation 3355679 (VCV003355679.1).

ClinVar aggregate classification (germline): Likely benign (0 of 4 stars; one submission).

Conditions:
SHH-related disorder. Also called: SHH-related condition; SHH-related disorders.

gnomAD v4.1: 3 of 152,140 alleles (0.002%); highest among the groups gnomAD compares: Admixed American, 0.0066%; no homozygotes.

Submission:

PreventionGenetics, part of Exact Sciences
Classification: Likely benign for SHH-related condition. Last evaluated: 2024-08-11. Review status: no assertion criteria provided. Collection method: clinical testing. Allele origin: germline.
Comment: This variant is classified as likely benign based on ACMG/AMP sequence variant interpretation guidelines (Richards et al. 2015 PMID: 25741868, with internal and published modifications).